The following is an entry in ClinVar:

ClinVar aggregate classification (germline): Benign/Likely benign. Review status: criteria provided, multiple submitters, no conflicts (2 of 4 stars). 2 submissions from 2 submitters: Benign (1); Likely benign (1). Last evaluated 2026-03-01.

Allele frequency attached by ClinVar (database versions not stated): 1000 Genomes Project 0.00040; 1000 Genomes Project 30x 0.00047; gnomAD exomes 0.00219 and 0.00364; ExAC 0.00234; TOPMed 0.00237; gnomAD 0.00243 and 0.00255; ESP Exome Variant Server 0.00359.
gnomAD v4.1: 5,602 of 1,614,236 alleles (0.35%); highest among the groups gnomAD compares: Non-Finnish European, 0.44%; 9 homozygotes.

Submissions (2):

CeGaT Center for Human Genetics Tuebingen
Classification: Likely benign. Last evaluated: 2026-03-01. Review status: criteria provided, single submitter. Criteria: CeGaT Center For Human Genetics Tuebingen Variant Classification Criteria Version 2. Collection method: clinical testing. Allele origin: germline. Affected: yes. Observed: 4 variant alleles.
Comment: DSCAM: BP4, BP7

Labcorp Genetics (formerly Invitae), Labcorp
Classification: Benign. Last evaluated: 2019-12-31. Review status: criteria provided, single submitter. Criteria: Invitae Variant Classification Sherloc (09022015). Collection method: clinical testing. Allele origin: germline.

NM_001389.5(DSCAM):c.4521C>T (p.Thr1507=)

Gene: DSCAM (DS cell adhesion molecule; minus strand). Cytogenetic location: 21q22.2.
Variant type: single nucleotide variant.
Coding change: c.4521C>T on transcript NM_001389.5 (MANE Select); coding-DNA position 4521, C replaced by T.
Protein change: p.Thr1507=; no amino-acid change (threonine 1507 retained).
Molecular consequence: synonymous variant. On other transcripts: non-coding transcript variant (1).
Genome position (GRCh38, 1-based): chr21:40,078,877, G>A on the plus strand (C>T on the coding strand, the complement: DSCAM is on the minus strand). VCF-style: chr21-40078877-G-A. GRCh37 (hg19) VCF-style: chr21-41450804-G-A.
Other names: c.4521C>T, p.Thr1507= (NM_001271534.3).
Identifiers: ClinVar variation 789248 (VCV000789248.28), dbSNP rs199832149, ClinGen allele CA10030594.